The following is an entry in ClinVar:

ClinVar aggregate classification (germline): Uncertain significance (1 of 4 stars; one submission).

Submission:

Ambry Genetics
Classification: Uncertain significance. Last evaluated: 2026-05-27. Review status: criteria provided, single submitter. Criteria: Ambry Variant Classification Scheme 2023. Collection method: clinical testing. Allele origin: germline.
Comment: The p.C179Y variant (also known as c.536G>A), located in coding exon 5 of the SRP72 gene, results from a G to A substitution at nucleotide position 536. The cysteine at codon 179 is replaced by tyrosine, an amino acid with highly dissimilar properties. This amino acid position is conserved. In addition, this alteration is predicted to be deleterious by in silico analysis. Based on the available evidence, the clinical significance of this variant remains unclear.

NM_006947.4(SRP72):c.536G>A (p.Cys179Tyr)

Gene: SRP72 (signal recognition particle 72; plus strand). Cytogenetic location: 4q12.
Variant type: single nucleotide variant.
Coding change: c.536G>A on transcript NM_006947.4 (MANE Select); coding-DNA position 536, G replaced by A.
Protein change: p.Cys179Tyr; replaces cysteine 179 with tyrosine.
Molecular consequence: missense variant. On other transcripts: non-coding transcript variant (1).
Genome position (GRCh38, 1-based): chr4:56,474,317, G>A. VCF-style: chr4-56474317-G-A. GRCh37 (hg19) VCF-style: chr4-57340483-G-A.
Other names: c.536G>A, p.Cys179Tyr (NM_001267722.2); short protein forms C179Y.
Identifiers: ClinVar variation 4865153 (VCV004865153.1).